The following is an entry in ClinVar:

NM_003664.5(AP3B1):c.2048A>T (p.Glu683Val)

Gene: AP3B1 (adaptor related protein complex 3 subunit beta 1; minus strand). Cytogenetic location: 5q14.1.
Variant type: single nucleotide variant.
Coding change: c.2048A>T on transcript NM_003664.5 (MANE Select); coding-DNA position 2048, A replaced by T.
Protein change: p.Glu683Val; replaces glutamic acid 683 with valine.
Molecular consequence: missense variant.
Genome position (GRCh38, 1-based): chr5:78,116,155, T>A on the plus strand (A>T on the coding strand, the complement: AP3B1 is on the minus strand). VCF-style: chr5-78116155-T-A. GRCh37 (hg19) VCF-style: chr5-77411979-T-A.
Other names: c.1901A>T, p.Glu634Val (NM_001271769.2); c.2048A>T (NM_003664.3); short protein forms E634V, E683V.
Identifiers: ClinVar variation 952514 (VCV000952514.10), dbSNP rs768736531, ClinGen allele CA3316883.

ClinVar aggregate classification (germline): Uncertain significance. Review status: criteria provided, multiple submitters, no conflicts (2 of 4 stars). 2 submissions from 2 submitters: Uncertain significance (2). Last evaluated 2025-10-29.

Conditions:
Inborn genetic diseases. Identifiers: MedGen C0950123, MeSH D030342.
Hermansky-Pudlak syndrome 2 (HPS2). Also called: Platelet defects and oculocutaneous albinism. Identifiers: Orphanet 183678, Orphanet 79430, MedGen C1842362, MONDO:0011997, OMIM 608233.

Allele frequency attached by ClinVar (database versions not stated): gnomAD exomes 0.00001 and 0.00002; ExAC 0.00002.
gnomAD v4.1: 10 of 1,612,788 alleles (0.00062%); highest among the groups gnomAD compares: Middle Eastern, 0.017%; no homozygotes.

Submissions (2):

Ambry Genetics
Classification: Uncertain significance for Inborn genetic diseases. Last evaluated: 2025-10-29. Review status: criteria provided, single submitter. Criteria: Ambry Variant Classification Scheme 2023. Collection method: clinical testing. Allele origin: germline.

Labcorp Genetics (formerly Invitae), Labcorp
Classification: Uncertain significance for Hermansky-Pudlak syndrome 2. Last evaluated: 2022-07-26. Review status: criteria provided, single submitter. Criteria: Invitae Variant Classification Sherloc (09022015). Collection method: clinical testing. Allele origin: germline.
Comment: In summary, the available evidence is currently insufficient to determine the role of this variant in disease. Therefore, it has been classified as a Variant of Uncertain Significance. Algorithms developed to predict the effect of sequence changes on RNA splicing suggest that this variant may create or strengthen a splice site. Algorithms developed to predict the effect of missense changes on protein structure and function are either unavailable or do not agree on the potential impact of this missense change (SIFT: "Deleterious"; PolyPhen-2: "Benign"; Align-GVGD: "Class C0"). ClinVar contains an entry for this variant (Variation ID: 952514). This variant has not been reported in the literature in individuals affected with AP3B1-related conditions. This variant is present in population databases (rs768736531, gnomAD 0.02%). This sequence change replaces glutamic acid, which is acidic and polar, with valine, which is neutral and non-polar, at codon 683 of the AP3B1 protein (p.Glu683Val).